The following is an entry in ClinVar:

ClinVar aggregate classification (germline): Uncertain significance (1 of 4 stars; one submission).

Submission:

GeneDx
Classification: Uncertain significance. Last evaluated: 2025-04-23. Review status: criteria provided, single submitter. Criteria: GeneDx Variant Classification Process June 2021. Collection method: clinical testing. Allele origin: germline. Affected: yes.
Comment: Not observed at significant frequency in large population cohorts (gnomAD); In silico analysis indicates that this missense variant does not alter protein structure/function; Has not been previously published as pathogenic or benign to our knowledge

NM_001754.5(RUNX1):c.773C>A (p.Ala258Asp)

Gene: RUNX1 (RUNX family transcription factor 1; minus strand). Cytogenetic location: 21q22.12.
Variant type: single nucleotide variant.
Coding change: c.773C>A on transcript NM_001754.5 (MANE Select); coding-DNA position 773, C replaced by A.
Protein change: p.Ala258Asp; replaces alanine 258 with aspartic acid.
Molecular consequence: missense variant.
Genome position (GRCh38, 1-based): chr21:34,834,442, G>T on the plus strand (C>A on the coding strand, the complement: RUNX1 is on the minus strand). VCF-style: chr21-34834442-G-T. GRCh37 (hg19) VCF-style: chr21-36206739-G-T.
Other names: c.692C>A, p.Ala231Asp (NM_001001890.3, NM_001122607.2); short protein forms A231D, A258D.
Identifiers: ClinVar variation 4527434 (VCV004527434.1).